The following is an entry in ClinVar:

ClinVar aggregate classification (germline): Uncertain significance (1 of 4 stars; one submission).

Submission:

GeneDx
Classification: Uncertain significance. Last evaluated: 2023-10-19. Review status: criteria provided, single submitter. Criteria: GeneDx Variant Classification Process June 2021. Collection method: clinical testing. Allele origin: germline. Affected: yes.
Comment: Not observed at significant frequency in large population cohorts (gnomAD); In silico analysis supports that this missense variant has a deleterious effect on protein structure/function; Has not been previously published as pathogenic or benign to our knowledge

NM_003107.3(SOX4):c.1139C>A (p.Ser380Tyr)

Gene: SOX4 (SRY-box transcription factor 4; plus strand). Cytogenetic location: 6p22.3.
Variant type: single nucleotide variant.
Coding change: c.1139C>A on transcript NM_003107.3 (MANE Select); coding-DNA position 1139, C replaced by A.
Protein change: p.Ser380Tyr; replaces serine 380 with tyrosine.
Molecular consequence: missense variant.
Genome position (GRCh38, 1-based): chr6:21,595,673, C>A. VCF-style: chr6-21595673-C-A. GRCh37 (hg19) VCF-style: chr6-21595904-C-A.
Other names: short protein forms S380Y.
Identifiers: ClinVar variation 3363243 (VCV003363243.1).